The following is an entry in ClinVar:

ClinVar aggregate classification (germline): Uncertain significance (1 of 4 stars; one submission).

gnomAD v4.1: 1 of 1,614,020 alleles (0.000062%); highest among the groups gnomAD compares: East Asian, 0.0022%; no homozygotes.

Submission:

Labcorp Genetics (formerly Invitae), Labcorp
Classification: Uncertain significance. Last evaluated: 2025-05-11. Review status: criteria provided, single submitter. Criteria: Invitae Variant Classification Sherloc (09022015). Collection method: clinical testing. Allele origin: germline.
Comment: This sequence change replaces glutamic acid, which is acidic and polar, with lysine, which is basic and polar, at codon 207 of the SLC26A3 protein (p.Glu207Lys). This variant is present in population databases (no rsID available, gnomAD 0.006%). This variant has not been reported in the literature in individuals affected with SLC26A3-related conditions. Invitae Evidence Modeling of protein sequence and biophysical properties (such as structural, functional, and spatial information, amino acid conservation, physicochemical variation, residue mobility, and thermodynamic stability) has been performed for this missense variant. However, the output from this modeling did not meet the statistical confidence thresholds required to predict the impact of this variant on SLC26A3 protein function. In summary, the available evidence is currently insufficient to determine the role of this variant in disease. Therefore, it has been classified as a Variant of Uncertain Significance.

NM_000111.3(SLC26A3):c.619G>A (p.Glu207Lys)

Gene: SLC26A3 (solute carrier family 26 member 3; minus strand). Cytogenetic location: 7q22.3.
Variant type: single nucleotide variant.
Coding change: c.619G>A on transcript NM_000111.3 (MANE Select); coding-DNA position 619, G replaced by A.
Protein change: p.Glu207Lys; replaces glutamic acid 207 with lysine.
Molecular consequence: missense variant.
Genome position (GRCh38, 1-based): chr7:107,789,640, C>T on the plus strand (G>A on the coding strand, the complement: SLC26A3 is on the minus strand). VCF-style: chr7-107789640-C-T. GRCh37 (hg19) VCF-style: chr7-107430085-C-T.
Other names: short protein forms E207K.
Identifiers: ClinVar variation 4811632 (VCV004811632.1).